The following is an entry in ClinVar:

NM_006393.3(NEBL):c.2752G>C (p.Asp918His)

Gene: NEBL (nebulette; minus strand). Cytogenetic location: 10p12.31.
Variant type: single nucleotide variant.
Coding change: c.2752G>C on transcript NM_006393.3 (MANE Select); coding-DNA position 2752, G replaced by C.
Protein change: p.Asp918His; replaces aspartic acid 918 with histidine.
Molecular consequence: missense variant. On other transcripts: intron variant (9).
Genome position (GRCh38, 1-based): chr10:20,808,519, C>G on the plus strand (G>C on the coding strand, the complement: NEBL is on the minus strand). VCF-style: chr10-20808519-C-G. GRCh37 (hg19) VCF-style: chr10-21097448-C-G.
Other names: c.421+4250G>C (NM_001377326.1, NM_001377327.1, NM_001377328.1); c.529+4250G>C (NM_213569.2, NM_001173484.2); c.622+1287G>C (NM_001377322.1); c.472+4250G>C (NM_001377324.1); c.463+4250G>C (NM_001377325.1); c.481+4250G>C (NM_001377323.1); short protein forms D918H.
Identifiers: ClinVar variation 4744335 (VCV004744335.1).
Genomic context (GRCh38, chr10:20,808,519, plus strand): 5'-CACACTTAAAAAATGAATCGATTTTCTTTGTAAGCAGTGAATGTTTGATACCTCCTTCAT[C>G]AGACGGTCTTGTTACCTCACTGCAGCATGAAAAGCTAGGGTAAATCTCGGAGATTTCTGA-3'
Protein context (NP_006384.1, residues 908-928): SCCSEVTRPS[Asp918His]EGAPVLPGAY

ClinVar aggregate classification (germline): Uncertain significance (1 of 4 stars; one submission).

Conditions:
Primary dilated cardiomyopathy (DCM). Also called: Dilated Cardiomyopathy. Identifiers: Orphanet 217604, MedGen C0007193, MeSH D002311, MONDO:0005021, HP:0001644. Inheritance: Various modes of inheritance.

Submission:

Labcorp Genetics (formerly Invitae), Labcorp
Classification: Uncertain significance for Primary dilated cardiomyopathy. Last evaluated: 2025-05-19. Review status: criteria provided, single submitter. Criteria: Invitae Variant Classification Sherloc (09022015). Collection method: clinical testing. Allele origin: germline.
Comment: This sequence change replaces aspartic acid, which is acidic and polar, with histidine, which is basic and polar, at codon 918 of the NEBL protein (p.Asp918His). This variant is not present in population databases (gnomAD no frequency). This variant has not been reported in the literature in individuals affected with NEBL-related conditions. An algorithm developed to predict the effect of missense changes on protein structure and function (PolyPhen-2) suggests that this variant is likely to be disruptive. In summary, the available evidence is currently insufficient to determine the role of this variant in disease. Therefore, it has been classified as a Variant of Uncertain Significance.